The following is an entry in ClinVar:

NM_021076.4(NEFH):c.380G>T (p.Gly127Val)

Gene: NEFH (neurofilament heavy chain; plus strand). Cytogenetic location: 22q12.2.
Variant type: single nucleotide variant.
Coding change: c.380G>T on transcript NM_021076.4 (MANE Select); coding-DNA position 380, G replaced by T.
Protein change: p.Gly127Val; replaces glycine 127 with valine.
Molecular consequence: missense variant.
Genome position (GRCh38, 1-based): chr22:29,480,642, G>T. VCF-style: chr22-29480642-G-T. GRCh37 (hg19) VCF-style: chr22-29876631-G-T.
Other names: c.380G>T (NM_021076.3); short protein forms G127V.
Identifiers: ClinVar variation 1991462 (VCV001991462.5), dbSNP rs766944121, ClinGen allele CA10174004.

ClinVar aggregate classification (germline): Uncertain significance. Review status: criteria provided, multiple submitters, no conflicts (2 of 4 stars). 2 submissions from 2 submitters: Uncertain significance (2). Last evaluated 2026-01-22.

Conditions:
NEFH-related disorder. Also called: NEFH-related condition.

Allele frequency attached by ClinVar (database versions not stated): gnomAD 0.00001; TOPMed 0.00002.
gnomAD v4.1: 22 of 1,561,174 alleles (0.0014%); highest among the groups gnomAD compares: Admixed American, 0.0019%; no homozygotes.

Submissions (2):

PreventionGenetics, part of Exact Sciences
Classification: Uncertain significance for NEFH-related condition. Last evaluated: 2026-01-22. Review status: criteria provided, single submitter. Criteria: ACMG Guidelines, 2015. Collection method: clinical testing. Allele origin: germline.
Comment: The NEFH c.380G>T variant is predicted to result in the amino acid substitution p.Gly127Val. To our knowledge, this variant has not been reported in the literature. This variant is reported in 0.0014% of alleles in individuals of European (Non-Finnish) descent in gnomAD. At this time, the clinical significance of this variant is uncertain due to the absence of conclusive functional and genetic evidence.

Labcorp Genetics (formerly Invitae), Labcorp
Classification: Uncertain significance. Last evaluated: 2023-08-31. Review status: criteria provided, single submitter. Criteria: Invitae Variant Classification Sherloc (09022015). Collection method: clinical testing. Allele origin: germline.
Comment: The frequency data for this variant in the population databases is considered unreliable, as metrics indicate poor data quality at this position in the gnomAD database. This sequence change replaces glycine, which is neutral and non-polar, with valine, which is neutral and non-polar, at codon 127 of the NEFH protein (p.Gly127Val). This variant has not been reported in the literature in individuals affected with NEFH-related conditions. ClinVar contains an entry for this variant (Variation ID: 1991462). Advanced modeling of protein sequence and biophysical properties (such as structural, functional, and spatial information, amino acid conservation, physicochemical variation, residue mobility, and thermodynamic stability) performed at Invitae indicates that this missense variant is not expected to disrupt NEFH protein function. In summary, the available evidence is currently insufficient to determine the role of this variant in disease. Therefore, it has been classified as a Variant of Uncertain Significance.